The following is an entry in ClinVar:

ClinVar aggregate classification (germline): Uncertain significance (1 of 4 stars; one submission).

Conditions:
Primary ciliary dyskinesia. Also called: Ciliary dyskinesia. Identifiers: Orphanet 244, MedGen C0008780, MONDO:0016575, HP:0012265.

Allele frequency attached by ClinVar (database versions not stated): gnomAD exomes below 0.00001; TOPMed below 0.00001.
gnomAD v4.1: 2 of 1,613,434 alleles (0.00012%); highest among the groups gnomAD compares: African/African-American, 0.0013%; no homozygotes.

Submission:

Ambry Genetics
Classification: Uncertain significance for Primary ciliary dyskinesia. Last evaluated: 2024-01-17. Review status: criteria provided, single submitter. Criteria: Ambry Variant Classification Scheme 2023. Collection method: clinical testing. Allele origin: germline.
Comment: The p.G551V variant (also known as c.1652G>T), located in coding exon 8 of the DNAAF5 gene, results from a G to T substitution at nucleotide position 1652. The glycine at codon 551 is replaced by valine, an amino acid with dissimilar properties. This amino acid position is conserved. In addition, this alteration is predicted to be tolerated by in silico analysis. Based on the available evidence, the clinical significance of this alteration remains unclear.

NM_017802.4(DNAAF5):c.1652G>T (p.Gly551Val)

Gene: DNAAF5 (dynein axonemal assembly factor 5; plus strand). Cytogenetic location: 7p22.3.
Variant type: single nucleotide variant.
Coding change: c.1652G>T on transcript NM_017802.4 (MANE Select); coding-DNA position 1652, G replaced by T.
Protein change: p.Gly551Val; replaces glycine 551 with valine.
Molecular consequence: missense variant. On other transcripts: non-coding transcript variant (1).
Genome position (GRCh38, 1-based): chr7:763,843, G>T. VCF-style: chr7-763843-G-T. GRCh37 (hg19) VCF-style: chr7-803480-G-T.
Other names: short protein forms G551V.
Identifiers: ClinVar variation 3227044 (VCV003227044.1), dbSNP rs1482588393, ClinGen allele CA366540025.